The following is an entry in ClinVar:

ClinVar aggregate classification (germline): Uncertain significance. Review status: criteria provided, multiple submitters, no conflicts (2 of 4 stars). 2 submissions from 2 submitters: Uncertain significance (2). Last evaluated 2025-05-04.

Allele frequency attached by ClinVar (database versions not stated): gnomAD 0.00001; gnomAD exomes 0.00001; TOPMed 0.00002; ESP Exome Variant Server 0.00008.
gnomAD v4.1: 17 of 1,613,534 alleles (0.0011%); highest among the groups gnomAD compares: African/African-American, 0.0027%; no homozygotes.

Submissions (2):

Labcorp Genetics (formerly Invitae), Labcorp
Classification: Uncertain significance. Last evaluated: 2025-05-04. Review status: criteria provided, single submitter. Criteria: Invitae Variant Classification Sherloc (09022015). Collection method: clinical testing. Allele origin: germline.
Comment: This sequence change replaces arginine, which is basic and polar, with glutamine, which is neutral and polar, at codon 400 of the PTH1R protein (p.Arg400Gln). This variant is present in population databases (rs146564514, gnomAD 0.007%). This variant has not been reported in the literature in individuals affected with PTH1R-related conditions. ClinVar contains an entry for this variant (Variation ID: 1922765). Invitae Evidence Modeling of protein sequence and biophysical properties (such as structural, functional, and spatial information, amino acid conservation, physicochemical variation, residue mobility, and thermodynamic stability) indicates that this missense variant is expected to disrupt PTH1R protein function with a positive predictive value of 80%. In summary, the available evidence is currently insufficient to determine the role of this variant in disease. Therefore, it has been classified as a Variant of Uncertain Significance.

Blueprint Genetics
Classification: Uncertain significance. Last evaluated: 2020-09-28. Review status: criteria provided, single submitter. Criteria: ACMG Guidelines, 2015. Collection method: clinical testing. Allele origin: germline.

NM_000316.3(PTH1R):c.1199G>A (p.Arg400Gln)

Gene: PTH1R (parathyroid hormone 1 receptor; plus strand). Cytogenetic location: 3p21.31.
Variant type: single nucleotide variant.
Coding change: c.1199G>A on transcript NM_000316.3 (MANE Select); coding-DNA position 1199, G replaced by A.
Protein change: p.Arg400Gln; replaces arginine 400 with glutamine.
Molecular consequence: missense variant.
Genome position (GRCh38, 1-based): chr3:46,901,848, G>A. VCF-style: chr3-46901848-G-A. GRCh37 (hg19) VCF-style: chr3-46943338-G-A.
Other names: c.1199G>A, p.Arg400Gln (NM_001184744.1); short protein forms R400Q.
Identifiers: ClinVar variation 1922765 (VCV001922765.6), dbSNP rs146564514, ClinGen allele CA2359441.